The following is an entry in ClinVar:

ClinVar aggregate classification (germline): Pathogenic. Review status: criteria provided, multiple submitters, no conflicts (2 of 4 stars). 4 submissions from 4 submitters: Pathogenic (4). Last evaluated 2022-11-01.

Conditions:
Hepatocellular carcinoma (HCC). Also called: Primary carcinoma of liver; HEPATOMA; LIVER CELL CARCINOMA. Identifiers: Orphanet 88673, MedGen C2239176, MONDO:0007256, OMIM 114550, HP:0001402.

Submissions (4):

Labcorp Genetics (formerly Invitae), Labcorp
Classification: Pathogenic. Last evaluated: 2022-11-01. Review status: criteria provided, single submitter. Criteria: Invitae Variant Classification Sherloc (09022015). Collection method: clinical testing. Allele origin: germline.
Comment: For these reasons, this variant has been classified as Pathogenic. ClinVar contains an entry for this variant (Variation ID: 499655). This premature translational stop signal has been observed in individual(s) with clinical features of CTNNB1-related conditions (PMID: 29682453). In at least one individual the variant was observed to be de novo. This variant is not present in population databases (gnomAD no frequency). This sequence change creates a premature translational stop signal (p.His499Thrfs*31) in the CTNNB1 gene. It is expected to result in an absent or disrupted protein product. Loss-of-function variants in CTNNB1 are known to be pathogenic (PMID: 23033978, 24614104, 25326669, 26350204, 28575650).

Mendelics
Classification: Pathogenic for Hepatocellular carcinoma. Last evaluated: 2019-05-28. Review status: criteria provided, single submitter. Criteria: Mendelics Assertion Criteria 2017. Collection method: clinical testing. Allele origin: unknown.

GeneDx
Classification: Pathogenic. Last evaluated: 2018-04-04. Review status: criteria provided, single submitter. Criteria: GeneDx Variant Classification (06012015). Collection method: clinical testing. Allele origin: germline. Affected: yes.
Comment: The c.1494dupA variant in the CTNNB1 gene has not been reported previously as a pathogenic variant nor as a benign variant, to our knowledge. The c.1494dupA variant causes a frameshift starting with codon Histidine 499, changes this amino acid to aThreonine residue, and creates a premature Stop codon at position 31 of the new reading frame, denoted p.His499ThrfsX31. This variant is predicted to cause loss of normal protein function either through protein truncation or nonsense-mediated mRNA decay. The c.1494dupA variant is not observed in large population cohorts (Lek et al., 2016).

Eurofins Ntd Llc (ga)
Classification: Pathogenic. Last evaluated: 2017-04-14. Review status: criteria provided, single submitter. Criteria: EGL Classification Definitions 2015. Collection method: clinical testing. Allele origin: germline. Observed: 1 variant allele, 1 heterozygote.

Literature cited by the submitters: PubMed 29682453 (cited by Labcorp Genetics (formerly Invitae), Labcorp); PubMed 23033978 (cited by Labcorp Genetics (formerly Invitae), Labcorp); PubMed 24614104 (cited by Labcorp Genetics (formerly Invitae), Labcorp); PubMed 25326669 (cited by Labcorp Genetics (formerly Invitae), Labcorp); PubMed 26350204 (cited by Labcorp Genetics (formerly Invitae), Labcorp); PubMed 28575650 (cited by Labcorp Genetics (formerly Invitae), Labcorp).

NM_001904.4(CTNNB1):c.1494dup (p.His499fs)

Genes: CTNNB1 (catenin beta 1; plus strand), LOC126806659 (BRD4-independent group 4 enhancer GRCh37_chr3:41274918-41276117; plus strand). Cytogenetic location: 3p22.1.
Variant type: Duplication.
Coding change: c.1494dup on transcript NM_001904.4 (MANE Select); coding-DNA position 1494, one base duplicated (A; older notation c.1494dupA).
Protein change: p.His499fs; shifts the reading frame from histidine 499.
Molecular consequence: frameshift variant.
Genome position (GRCh38, 1-based): chr3:41,233,837, A duplicated. VCF-style (leftmost placement, unchanged base first): chr3-41233836-T-TA. GRCh37 (hg19) VCF-style: chr3-41275327-T-TA.
Other names: c.1494dup, p.His499fs (NM_001098209.2, NM_001098210.2); c.1473dup, p.His492fs (NM_001330729.2); c.1494dupA (NM_001904.3); short protein forms H492fs, H499fs.
Identifiers: ClinVar variation 499655 (VCV000499655.15), dbSNP rs1553631896, ClinGen allele CA658796293.